The following is an entry in ClinVar:

NC_000005.9:g.(89988604_89989706)_(90074915_90077246)del

Gene: ADGRV1 (adhesion G protein-coupled receptor V1; plus strand). Cytogenetic location: 5q14.3.
Variant type: Deletion.
Identifiers: ClinVar variation 1329049 (VCV001329049.1).

ClinVar aggregate classification (germline): Likely pathogenic (1 of 4 stars; one submission).

Conditions:
Usher syndrome. Also called: Usher's syndrome; Usher Syndromes. Identifiers: Orphanet 886, MedGen CN469326, MeSH D052245, MONDO:0019501. Disease mechanism: loss of function.

Submission:

Women's Health and Genetics/Laboratory Corporation of America, LabCorp
Classification: Likely pathogenic for Retinitis pigmentosa-deafness syndrome. Last evaluated: 2021-11-15. Review status: criteria provided, single submitter. Criteria: LabCorp Variant Classification Summary - May 2015. Collection method: clinical testing. Allele origin: germline.
Comment: Variant summary: The variant identified by MLPA or other technology involves the deletion of exons 33-64 in the ADGRV1 gene. A presumed nomenclature of c.(7133+1_7134-1)_(13082+1_13083-1)del has been designated for the purposes of this classification. Although exact breakpoints of this deletion are not known, it is expected to result in a large in-frame deletion change in the ADGRV1 gene, a known mechanism of disease. The variant was absent in 21694 control chromosomes (gnomAD SV). To our knowledge, no occurrence of c.(7133+1_7134-1)_(13082+1_13083-1)del in individuals affected with Usher Syndrome and no experimental evidence demonstrating its impact on protein function have been reported. No clinical diagnostic laboratories have submitted clinical-significance assessments for this variant to ClinVar after 2014. Based on the evidence outlined above, the variant was classified as likely pathogenic.